The following is an entry in ClinVar:

NM_052947.4(ALPK2):c.185A>T (p.Glu62Val)

Gene: ALPK2 (alpha kinase 2; minus strand). Cytogenetic location: 18q21.32.
Variant type: single nucleotide variant.
Coding change: c.185A>T on transcript NM_052947.4 (MANE Select); coding-DNA position 185, A replaced by T.
Protein change: p.Glu62Val; replaces glutamic acid 62 with valine.
Molecular consequence: missense variant.
Genome position (GRCh38, 1-based): chr18:58,607,364, T>A on the plus strand (A>T on the coding strand, the complement: ALPK2 is on the minus strand). VCF-style: chr18-58607364-T-A. GRCh37 (hg19) VCF-style: chr18-56274596-T-A.
Other names: short protein forms E62V.
Identifiers: ClinVar variation 1781470 (VCV001781470.2), dbSNP rs2518912928, ClinGen allele CA402555865.

ClinVar aggregate classification (germline): Uncertain significance (1 of 4 stars; one submission).

Submission:

Ambry Genetics
Classification: Uncertain significance. Last evaluated: 2022-06-11. Review status: criteria provided, single submitter. Criteria: Ambry Variant Classification Scheme 2023. Collection method: clinical testing. Allele origin: germline.
Comment: The p.E62V variant (also known as c.185A>T), located in coding exon 2 of the ALPK2 gene, results from an A to T substitution at nucleotide position 185. The glutamic acid at codon 62 is replaced by valine, an amino acid with dissimilar properties. This amino acid position is conserved. In addition, this alteration is predicted to be tolerated by in silico analysis. Since supporting evidence is limited at this time, the clinical significance of this alteration remains unclear.